The following is an entry in ClinVar:

NM_001142966.3(GREB1L):c.510T>A (p.Asp170Glu)

Genes: GREB1L (GREB1 like retinoic acid receptor coactivator; plus strand), GREB1L-AS1 (GREB1L antisense RNA 1; minus strand). Cytogenetic location: 18q11.1.
Variant type: single nucleotide variant.
Coding change: c.510T>A on transcript NM_001142966.3 (MANE Select); coding-DNA position 510, T replaced by A.
Protein change: p.Asp170Glu; replaces aspartic acid 170 with glutamic acid.
Molecular consequence: missense variant.
Genome position (GRCh38, 1-based): chr18:21,395,539, T>A. VCF-style: chr18-21395539-T-A. GRCh37 (hg19) VCF-style: chr18-18975500-T-A.
Other names: c.510T>A, p.Asp170Glu (NM_001410867.1, NM_001410868.1); c.510T>A (NM_001142966.1); short protein forms D170E.
Identifiers: ClinVar variation 2052788 (VCV002052788.5), dbSNP rs757376952, ClinGen allele CA8906312.

ClinVar aggregate classification (germline): Likely benign. Review status: criteria provided, multiple submitters, no conflicts (2 of 4 stars). 2 submissions from 2 submitters: Likely benign (2). Last evaluated 2025-11-06.

Conditions:
GREB1L-related disorder. Also called: GREB1L-related condition.

Allele frequency attached by ClinVar (database versions not stated): gnomAD 0.00001; ExAC 0.00005; TOPMed 0.00008.
gnomAD v4.1: 36 of 1,548,502 alleles (0.0023%); highest among the groups gnomAD compares: Admixed American, 0.07%; no homozygotes.

Submissions (2):

PreventionGenetics, part of Exact Sciences
Classification: Likely benign for GREB1L-related condition. Last evaluated: 2025-11-06. Review status: criteria provided, single submitter. Criteria: ACMG Guidelines, 2015. Collection method: clinical testing. Allele origin: germline.
Comment: This variant is classified as likely benign based on ACMG/AMP sequence variant interpretation guidelines (Richards et al. 2015 PMID: 25741868, with internal and published modifications).

Labcorp Genetics (formerly Invitae), Labcorp
Classification: Likely benign. Last evaluated: 2024-08-12. Review status: criteria provided, single submitter. Criteria: Invitae Variant Classification Sherloc (09022015). Collection method: clinical testing. Allele origin: germline.